The following is an entry in ClinVar:

NM_004999.4(MYO6):c.262-9C>T

Gene: MYO6 (myosin VI; plus strand). Cytogenetic location: 6q14.1.
Variant type: single nucleotide variant.
Coding change: c.262-9C>T on transcript NM_004999.4 (MANE Select); 9 bases into the intron before coding-DNA position 262, C replaced by T.
Molecular consequence: intron variant.
Genome position (GRCh38, 1-based): chr6:75,830,407, C>T. VCF-style: chr6-75830407-C-T. GRCh37 (hg19) VCF-style: chr6-76540124-C-T.
Other names: c.262-9C>T (NM_001368865.1, NM_001368866.1, NM_001368137.1 and 5 more transcripts).
Identifiers: ClinVar variation 357989 (VCV000357989.13), dbSNP rs187811833, ClinGen allele CA3896795.

ClinVar aggregate classification (germline): Conflicting classifications of pathogenicity. Review status: criteria provided, conflicting classifications (1 of 4 stars). 5 submissions from 4 submitters: Uncertain significance (1); Benign (4). Last evaluated 2025-10-24.

Conditions:
Autosomal dominant nonsyndromic hearing loss 22. Also called: Autosomal dominant nonsyndromic deafness 22; DFNA 22. Identifiers: Orphanet 228012, MedGen C2931767, MONDO:0011660, OMIM 606346.
Autosomal recessive nonsyndromic hearing loss 37. Identifiers: Orphanet 90636, MedGen C1843028, MONDO:0011912, OMIM 607821.

Allele frequency attached by ClinVar (database versions not stated): gnomAD exomes 0.00020 and 0.00062; gnomAD 0.00021 and 0.00030; TOPMed 0.00036; ExAC 0.00062; 1000 Genomes Project 0.00180; 1000 Genomes Project 30x 0.00187.
gnomAD v4.1: 337 of 1,606,744 alleles (0.021%); highest among the groups gnomAD compares: East Asian, 0.61%; 5 homozygotes.

Submissions (5):

Labcorp Genetics (formerly Invitae), Labcorp
Classification: Benign. Last evaluated: 2025-10-24. Review status: criteria provided, single submitter. Criteria: Invitae Variant Classification Sherloc (09022015). Collection method: clinical testing. Allele origin: germline.

Blueprint Genetics
Classification: Benign. Last evaluated: 2024-09-23. Review status: criteria provided, single submitter. Criteria: ACMG Guidelines, 2015. Collection method: clinical testing. Allele origin: germline.

GeneDx
Classification: Benign. Last evaluated: 2021-05-14. Review status: criteria provided, single submitter. Criteria: GeneDx Variant Classification Process June 2021. Collection method: clinical testing. Allele origin: germline. Affected: yes.

Illumina Laboratory Services, Illumina
Classification: Benign for Autosomal dominant nonsyndromic hearing loss 22. Last evaluated: 2018-01-13. Review status: criteria provided, single submitter. Criteria: ICSL Variant Classification Criteria 13 December 2019. Collection method: clinical testing. Allele origin: germline.
Comment: This variant was observed in the ICSL laboratory as part of a predisposition screen in an ostensibly healthy population. It had not been previously curated by ICSL or reported in the Human Gene Mutation Database (HGMD: prior to June 1st, 2018), and was therefore a candidate for classification through an automated scoring system. Utilizing variant allele frequency, disease prevalence and penetrance estimates, and inheritance mode, an automated score was calculated to assess if this variant is too frequent to cause the disease. Based on the score and internal cut-off values, a variant classified as benign is not then subjected to further curation. The score for this variant resulted in a classification of benign for this disease.

Illumina Laboratory Services, Illumina
Classification: Uncertain significance for Autosomal recessive nonsyndromic hearing loss 37. Last evaluated: 2018-01-13. Review status: criteria provided, single submitter. Criteria: ICSL Variant Classification Criteria 13 December 2019. Collection method: clinical testing. Allele origin: germline.